The following is an entry in ClinVar:

ClinVar aggregate classification (germline): Uncertain significance. Review status: criteria provided, multiple submitters, no conflicts (2 of 4 stars). 2 submissions from 2 submitters: Uncertain significance (2). Last evaluated 2024-06-21.

Conditions:
Cardiac arrhythmia. Also called: Cardiac rhythm disease; Arrhythmia. Identifiers: MedGen C0003811, MONDO:0007263, HP:0011675.

Allele frequency attached by ClinVar (database versions not stated): gnomAD exomes below 0.00001.
gnomAD v4.1: 1 of 1,597,112 alleles (0.000063%); highest among the groups gnomAD compares: Non-Finnish European, 0.000086%; no homozygotes.

Submissions (2):

Women's Health and Genetics/Laboratory Corporation of America, LabCorp
Classification: Uncertain significance. Last evaluated: 2024-06-21. Review status: criteria provided, single submitter. Criteria: LabCorp Variant Classification Summary - May 2015. Collection method: clinical testing. Allele origin: germline.
Comment: Variant summary: KCNH2 c.3286C>T (p.Pro1096Ser) results in a non-conservative amino acid change in the encoded protein sequence. Three of five in-silico tools predict a damaging effect of the variant on protein function. The variant was absent in 240746 control chromosomes. The available data on variant occurrences in the general population are insufficient to allow any conclusion about variant significance. To our knowledge, no occurrence of c.3286C>T in individuals affected with Arrhythmia and no experimental evidence demonstrating its impact on protein function have been reported. ClinVar contains an entry for this variant (Variation ID: 921691). Based on the evidence outlined above, the variant was classified as uncertain significance.

Color Diagnostics, LLC DBA Color Health
Classification: Uncertain significance for Cardiac arrhythmia. Last evaluated: 2024-03-06. Review status: criteria provided, single submitter. Criteria: ACMG Guidelines, 2015. Collection method: clinical testing. Allele origin: germline.
Comment: This missense variant replaces proline with serine at codon 1096 of the KCNH2 protein. Computational prediction tool is inconclusive regarding the impact of this variant on protein structure and function (internally defined REVEL score threshold 0.5 < inconclusive < 0.7, PMID: 27666373). Splice site prediction tools suggest that this variant may not impact RNA splicing. To our knowledge, functional studies have not been performed for this variant. This variant has not been reported in individuals affected with cardiovascular disorders in the literature. This variant has not been identified in the general population by the Genome Aggregation Database (gnomAD). The available evidence is insufficient to determine the role of this variant in disease conclusively. Therefore, this variant is classified as a Variant of Uncertain Significance.

NM_000238.4(KCNH2):c.3286C>T (p.Pro1096Ser)

Gene: KCNH2 (potassium voltage-gated channel subfamily H member 2; minus strand). Cytogenetic location: 7q36.1.
Variant type: single nucleotide variant.
Coding change: c.3286C>T on transcript NM_000238.4 (MANE Select); coding-DNA position 3286, C replaced by T.
Protein change: p.Pro1096Ser; replaces proline 1096 with serine.
Molecular consequence: missense variant.
Genome position (GRCh38, 1-based): chr7:150,946,921, G>A on the plus strand (C>T on the coding strand, the complement: KCNH2 is on the minus strand). VCF-style: chr7-150946921-G-A. GRCh37 (hg19) VCF-style: chr7-150644009-G-A.
Other names: c.2266C>T, p.Pro756Ser (NM_172057.3); short protein forms P1096S, P756S.
Identifiers: ClinVar variation 921691 (VCV000921691.7), dbSNP rs1554423737, ClinGen allele CA369852015.